The following is an entry in ClinVar:

ClinVar aggregate classification (germline): Uncertain significance (1 of 4 stars; one submission).

Conditions:
Polycystic kidney disease, adult type (PKD1). Also called: POLYCYSTIC KIDNEY DISEASE, ADULT, TYPE I; Polycystic Kidney Disease 1, Autosomal Dominant; Polycystic kidney disease 1; Polycystic kidney disease 1, severe; Polycystic Kidney, Autosomal Dominant; POLYCYSTIC KIDNEY DISEASE 1 WITH OR WITHOUT POLYCYSTIC LIVER DISEASE. Identifiers: MedGen C3149841, MONDO:0008263, OMIM 173900.

Submission:

Juno Genomics, Hangzhou Juno Genomics, Inc
Classification: Uncertain significance for Polycystic kidney disease, adult type. Review status: criteria provided, single submitter. Criteria: ACMG Guidelines, 2015. Collection method: clinical testing. Allele origin: germline. Affected: yes.
Comment: Absent from controls (or at extremely low frequency if recessive) in Genome Aggregation Database, Exome Sequencing Project, 1000 Genomes Project, or Exome Aggregation Consortium.;Multiple lines of computational evidence support a deleterious effect on the gene or gene product (conservation, evolutionary, splicing impact, etc).;Patient's phenotype or family history is highly specific for a disease with a single genetic etiology.

NM_001009944.3(PKD1):c.10834G>C (p.Ala3612Pro)

Genes: PKD1 (polycystin 1, transient receptor potential channel interacting; minus strand), PKD1-AS1 (PKD1 antisense RNA 1; plus strand). Cytogenetic location: 16p13.3.
Variant type: single nucleotide variant.
Coding change: c.10834G>C on transcript NM_001009944.3 (MANE Select); coding-DNA position 10834, G replaced by C.
Protein change: p.Ala3612Pro; replaces alanine 3612 with proline.
Molecular consequence: missense variant.
Genome position (GRCh38, 1-based): chr16:2,093,726, C>G on the plus strand (G>C on the coding strand, the complement: PKD1 is on the minus strand). VCF-style: chr16-2093726-C-G. GRCh37 (hg19) VCF-style: chr16-2143727-C-G.
Other names: c.10831G>C, p.Ala3611Pro (NM_000296.4); short protein forms A3611P, A3612P.
Identifiers: ClinVar variation 3381956 (VCV003381956.2).
Genomic context (GRCh38, chr16:2,093,726, plus strand): 5'-CTACCAGGGTGTCATCTTCATCCGGGTGCAGCCGCTTGGCCACCAGTGAGAAGTACAGGG[C>G]TTCCAGCAAGACCTGGGGAGGGGGTGGCTTCAGAGGGGTCCCCCGTGATGGAGGCCTGTA-3'
Protein context (NP_001009944.3, residues 3602-3622): GWEPLKVLLE[Ala3612Pro]LYFSLVAKRL